The following is an entry in ClinVar:

NM_000051.4(ATM):c.8503T>G (p.Cys2835Gly)

Genes: ATM (ATM serine/threonine kinase; plus strand), C11orf65 (chromosome 11 open reading frame 65; minus strand). Cytogenetic location: 11q22.3.
Variant type: single nucleotide variant.
Coding change: c.8503T>G on transcript NM_000051.4 (MANE Select); coding-DNA position 8503, T replaced by G.
Protein change: p.Cys2835Gly; replaces cysteine 2835 with glycine.
Molecular consequence: missense variant. On other transcripts: intron variant (2).
Genome position (GRCh38, 1-based): chr11:108,345,827, T>G. VCF-style: chr11-108345827-T-G. GRCh37 (hg19) VCF-style: chr11-108216554-T-G.
Other names: c.8503T>G, p.Cys2835Gly (NM_001351834.2); c.641-36756A>C (NM_001330368.2); c.695-10535A>C (NM_001351110.2); short protein forms C2835G.
Identifiers: ClinVar variation 3803030 (VCV003803030.1).

ClinVar aggregate classification (germline): Uncertain significance (1 of 4 stars; one submission).

Conditions:
Hereditary cancer-predisposing syndrome. Also called: Neoplastic Syndromes, Hereditary; Tumor predisposition; Hereditary Cancer Syndrome; Hereditary neoplastic syndrome. Identifiers: Orphanet 140162, MedGen C0027672, MeSH D009386, MONDO:0015356.

Submission:

Ambry Genetics
Classification: Uncertain significance for Hereditary cancer-predisposing syndrome. Last evaluated: 2025-02-28. Review status: criteria provided, single submitter. Criteria: Ambry Variant Classification Scheme 2023. Collection method: clinical testing. Allele origin: germline.
Comment: The p.C2835G variant (also known as c.8503T>G), located in coding exon 57 of the ATM gene, results from a T to G substitution at nucleotide position 8503. The cysteine at codon 2835 is replaced by glycine, an amino acid with highly dissimilar properties. This amino acid position is conserved. In addition, this alteration is predicted to be deleterious by in silico analysis. Based on the available evidence, the clinical significance of this variant remains unclear.